The following is an entry in ClinVar:

ClinVar aggregate classification (germline): Conflicting classifications of pathogenicity. Review status: criteria provided, conflicting classifications (1 of 4 stars). 3 submissions from 3 submitters: Uncertain significance (1); Likely benign (2). Last evaluated 2026-01-11.

Conditions:
Autosomal recessive limb-girdle muscular dystrophy type 2F (LGMDR6). Also called: MUSCULAR DYSTROPHY, LIMB-GIRDLE, AUTOSOMAL RECESSIVE 6; Muscular dystrophy limb-girdle with delta-sarcoglyan deficiency. Identifiers: Orphanet 219, MedGen C1832525, MONDO:0011028, OMIM 601287. Disease mechanism: Affects gamma-sarcoglycan and also disrupts the integrity of the entire sarcoglycan complex..

gnomAD v4.1: 1 of 1,571,134 alleles (0.000064%); highest among the groups gnomAD compares: Admixed American, 0.0017%; no homozygotes.

Submissions (3):

Labcorp Genetics (formerly Invitae), Labcorp
Classification: Likely benign for Autosomal recessive limb-girdle muscular dystrophy type 2F. Last evaluated: 2026-01-11. Review status: criteria provided, single submitter. Criteria: Invitae Variant Classification Sherloc (09022015). Collection method: clinical testing. Allele origin: germline.

GeneDx
Classification: Likely benign. Last evaluated: 2017-12-27. Review status: criteria provided, single submitter. Criteria: GeneDx Variant Classification (06012015). Collection method: clinical testing. Allele origin: germline. Affected: yes.
Comment: This variant is considered likely benign or benign based on one or more of the following criteria: it is a conservative change, it occurs at a poorly conserved position in the protein, it is predicted to be benign by multiple in silico algorithms, and/or has population frequency not consistent with disease.

Laboratory for Molecular Medicine, Mass General Brigham Personalized Medicine
Classification: Uncertain significance. Last evaluated: 2013-05-01. Review status: criteria provided, single submitter. Criteria: LMM Criteria. Collection method: clinical testing. Allele origin: germline. Observed: 1 variant allele.
Comment: Variant classified as Uncertain Significance - Favor Benign. The 383-11A>T varia nt in SGCD has not been reported in individuals with cardiomyopathy. Data from l arge population studies is insufficient to assess the frequency of this variant. This variant is located in the 3' splice region. Computational tools do not sug gest an impact to splicing, though this information is not predictive enough to rule out pathogenicity. Additional studies are needed to fully assess its clinic al significance.

NM_000337.6(SGCD):c.383-11A>T

Gene: SGCD (sarcoglycan delta; plus strand). Cytogenetic location: 5q33.3.
Variant type: single nucleotide variant.
Coding change: c.383-11A>T on transcript NM_000337.6 (MANE Select); 11 bases into the intron before coding-DNA position 383, A replaced by T.
Molecular consequence: intron variant.
Genome position (GRCh38, 1-based): chr5:156,594,921, A>T. VCF-style: chr5-156594921-A-T. GRCh37 (hg19) VCF-style: chr5-156021931-A-T.
Other names: c.380-11A>T (NM_001128209.2); c.383-11A>T (NM_172244.3).
Identifiers: ClinVar variation 178979 (VCV000178979.9), dbSNP rs727504584, ClinGen allele CA183421.